The following is an entry in ClinVar:

ClinVar aggregate classification (germline): Uncertain significance (1 of 4 stars; one submission).

Conditions:
Myofibrillar myopathy 5. Also called: Filaminopathy (type); FILAMINOPATHY, AUTOSOMAL DOMINANT. Identifiers: Orphanet 171445, MedGen C1836050, MONDO:0012289, OMIM 609524.
Hypertrophic cardiomyopathy 26. Also called: Cardiomyopathy, familial hypertrophic, 26. Identifiers: Orphanet 75249, MedGen C4310749, MONDO:0014883, OMIM 617047.
Distal myopathy with posterior leg and anterior hand involvement. Also called: WILLIAMS DISTAL MYOPATHY. Identifiers: Orphanet 63273, MedGen C3279722, MONDO:0013550, OMIM 614065.

Allele frequency attached by ClinVar (database versions not stated): gnomAD exomes below 0.00001.
gnomAD v4.1: 1 of 1,613,156 alleles (0.000062%); highest among the groups gnomAD compares: Non-Finnish European, 0.000085%; no homozygotes.

Submission:

Labcorp Genetics (formerly Invitae), Labcorp
Classification: Uncertain significance for Distal myopathy with posterior leg and anterior hand involvement; Myofibrillar myopathy 5; Hypertrophic cardiomyopathy 26. Last evaluated: 2021-12-27. Review status: criteria provided, single submitter. Criteria: Invitae Variant Classification Sherloc (09022015). Collection method: clinical testing. Allele origin: germline.
Comment: In summary, the available evidence is currently insufficient to determine the role of this variant in disease. Therefore, it has been classified as a Variant of Uncertain Significance. Algorithms developed to predict the effect of missense changes on protein structure and function are either unavailable or do not agree on the potential impact of this missense change (SIFT: "Deleterious"; PolyPhen-2: "Possibly Damaging"; Align-GVGD: "Class C0"). This variant has not been reported in the literature in individuals affected with FLNC-related conditions. This variant is not present in population databases (gnomAD no frequency). This sequence change replaces proline, which is neutral and non-polar, with leucine, which is neutral and non-polar, at codon 1997 of the FLNC protein (p.Pro1997Leu).

NM_001458.5(FLNC):c.5990C>T (p.Pro1997Leu)

Genes: FLNC-AS1 (FLNC antisense RNA 1; minus strand), FLNC (filamin C; plus strand). Cytogenetic location: 7q32.1.
Variant type: single nucleotide variant.
Coding change: c.5990C>T on transcript NM_001458.5 (MANE Select); coding-DNA position 5990, C replaced by T.
Protein change: p.Pro1997Leu; replaces proline 1997 with leucine.
Molecular consequence: missense variant.
Genome position (GRCh38, 1-based): chr7:128,852,738, C>T. VCF-style: chr7-128852738-C-T. GRCh37 (hg19) VCF-style: chr7-128492792-C-T.
Other names: c.5891C>T, p.Pro1964Leu (NM_001127487.2); short protein forms P1997L, P1964L.
Identifiers: ClinVar variation 2057996 (VCV002057996.4), dbSNP rs2536659542, ClinGen allele CA369210774.